The following is an entry in ClinVar:

ClinVar aggregate classification (germline): Uncertain significance (1 of 4 stars; one submission).

Conditions:
Cowden syndrome 6 (CWS6). Identifiers: Orphanet 201, MedGen C3554519, MONDO:0014048, OMIM 615109.

Allele frequency attached by ClinVar (database versions not stated): gnomAD exomes below 0.00001; ExAC 0.00001.
gnomAD v4.1: 2 of 1,613,620 alleles (0.00012%); highest among the groups gnomAD compares: Non-Finnish European, 0.00017%; no homozygotes.

Submission:

Labcorp Genetics (formerly Invitae), Labcorp
Classification: Uncertain significance for Cowden syndrome 6. Last evaluated: 2016-06-14. Review status: criteria provided, single submitter. Criteria: Invitae Variant Classification Sherloc (09022015). Collection method: clinical testing. Allele origin: germline.
Comment: In summary, this variant is a rare missense change that is not predicted to affect protein function. There is no indication that it causes disease, but the available evidence is currently insufficient to prove that conclusively. Therefore, it has been classified as a Variant of Uncertain Significance. Algorithms developed to predict the effect of missense changes on protein structure and function (SIFT, PolyPhen-2, Align-GVGD) all suggest that this variant is likely to be tolerated, but these predictions have not been confirmed by published functional studies. This variant is present in population databases (rs781339141, ExAC 0.002%) but has not been reported in the literature in individuals with a AKT1-related disease. This sequence change replaces isoleucine with valine at codon 36 of the AKT1 protein (p.Ile36Val). The isoleucine residue is moderately conserved and there is a small physicochemical difference between isoleucine and valine.

NM_001382430.1(AKT1):c.106A>G (p.Ile36Val)

Gene: AKT1 (AKT serine/threonine kinase 1; minus strand). Cytogenetic location: 14q32.33.
Variant type: single nucleotide variant.
Coding change: c.106A>G on transcript NM_001382430.1 (MANE Select); coding-DNA position 106, A replaced by G.
Protein change: p.Ile36Val; replaces isoleucine 36 with valine.
Molecular consequence: missense variant.
Genome position (GRCh38, 1-based): chr14:104,780,157, T>C on the plus strand (A>G on the coding strand, the complement: AKT1 is on the minus strand). VCF-style: chr14-104780157-T-C. GRCh37 (hg19) VCF-style: chr14-105246494-T-C.
Other names: c.106A>G, p.Ile36Val (NM_001014431.2, NM_001014432.2, NM_001382431.1 and 3 more transcripts); short protein forms I36V.
Identifiers: ClinVar variation 410910 (VCV000410910.8), dbSNP rs781339141, ClinGen allele CA7374905.
Genomic context (GRCh38, chr14:104,780,157, plus strand): 5'-AGAAGTTGTTGAGGGGAGCCTCACGTTGGTCCACATCCTGCGGCCGCTCCTTGTAGCCAA[T>C]GAAGGTGCCATCATTCTTGAGGAGGAAGTAGCGTGGCCGCCAGGTCTTGATGTACTCCCC-3'
Protein context (NP_001369359.1, residues 26-46): YFLLKNDGTF[Ile36Val]GYKERPQDVD